The following is an entry in ClinVar:

NM_000661.5(RPL9):c.573T>A (p.Asp191Glu)

Gene: RPL9 (ribosomal protein L9; minus strand). Cytogenetic location: 4p14.
Variant type: single nucleotide variant.
Coding change: c.573T>A on transcript NM_000661.5 (MANE Select); coding-DNA position 573, T replaced by A.
Protein change: p.Asp191Glu; replaces aspartic acid 191 with glutamic acid.
Molecular consequence: missense variant.
Genome position (GRCh38, 1-based): chr4:39,454,549, A>T on the plus strand (T>A on the coding strand, the complement: RPL9 is on the minus strand). VCF-style: chr4-39454549-A-T. GRCh37 (hg19) VCF-style: chr4-39456169-A-T.
Other names: c.573T>A, p.Asp191Glu (NM_001024921.4); short protein forms D191E.
Identifiers: ClinVar variation 4713422 (VCV004713422.1).

ClinVar aggregate classification (germline): Uncertain significance (1 of 4 stars; one submission).

Submission:

Labcorp Genetics (formerly Invitae), Labcorp
Classification: Uncertain significance. Last evaluated: 2025-03-18. Review status: criteria provided, single submitter. Criteria: Invitae Variant Classification Sherloc (09022015). Collection method: clinical testing. Allele origin: germline.
Comment: This sequence change replaces aspartic acid, which is acidic and polar, with glutamic acid, which is acidic and polar, at codon 191 of the RPL9 protein (p.Asp191Glu). This variant is not present in population databases (gnomAD no frequency). This variant has not been reported in the literature in individuals affected with RPL9-related conditions. An algorithm developed to predict the effect of missense changes on protein structure and function (PolyPhen-2) suggests that this variant is likely to be tolerated. In summary, the available evidence is currently insufficient to determine the role of this variant in disease. Therefore, it has been classified as a Variant of Uncertain Significance.